The following is an entry in ClinVar:

NM_003718.5(CDK13):c.822G>T (p.Arg274=)

Gene: CDK13 (cyclin dependent kinase 13; plus strand). Cytogenetic location: 7p14.1.
Variant type: single nucleotide variant.
Coding change: c.822G>T on transcript NM_003718.5 (MANE Select); coding-DNA position 822, G replaced by T.
Protein change: p.Arg274=; no amino-acid change (arginine 274 retained).
Molecular consequence: synonymous variant.
Genome position (GRCh38, 1-based): chr7:39,951,463, G>T. VCF-style: chr7-39951463-G-T. GRCh37 (hg19) VCF-style: chr7-39991062-G-T.
Other names: c.822G>T, p.Arg274= (NM_031267.4).
Identifiers: ClinVar variation 4822815 (VCV004822815.4).

ClinVar aggregate classification (germline): Likely benign (1 of 4 stars; one submission).

Submission:

CeGaT Center for Human Genetics Tuebingen
Classification: Likely benign. Last evaluated: 2025-12-01. Review status: criteria provided, single submitter. Criteria: CeGaT Center For Human Genetics Tuebingen Variant Classification Criteria Version 2. Collection method: clinical testing. Allele origin: germline. Affected: yes. Observed: 1 variant allele.
Comment: CDK13: PM2:Supporting, BP4, BP7